The following is an entry in ClinVar:

NM_002691.4(POLD1):c.1113C>G (p.Tyr371Ter)

Gene: POLD1 (DNA polymerase delta 1, catalytic subunit; plus strand). Cytogenetic location: 19q13.33.
Variant type: single nucleotide variant.
Coding change: c.1113C>G on transcript NM_002691.4 (MANE Select); coding-DNA position 1113, C replaced by G.
Protein change: p.Tyr371Ter; replaces tyrosine 371 with a stop codon.
Molecular consequence: nonsense. On other transcripts: non-coding transcript variant (1).
Genome position (GRCh38, 1-based): chr19:50,403,195, C>G. VCF-style: chr19-50403195-C-G. GRCh37 (hg19) VCF-style: chr19-50906452-C-G.
Other names: c.1113C>G, p.Tyr371Ter (NM_001256849.1, NM_001308632.1, NM_001438210.1 and 3 more transcripts); short protein forms Y371*.
Identifiers: ClinVar variation 4727135 (VCV004727135.1).

ClinVar aggregate classification (germline): Uncertain significance (1 of 4 stars; one submission).

Conditions:
POLD1-related polyposis and colorectal cancer syndrome (CRCS10). Also called: COLORECTAL CANCER, SUSCEPTIBILITY TO, ON CHROMOSOME 19q; Colorectal cancer 10; Colorectal cancer, susceptibility to, 10. Identifiers: Orphanet 220460, MedGen C2675481, MONDO:0012953, OMIM 612591.

Submission:

Labcorp Genetics (formerly Invitae), Labcorp
Classification: Uncertain significance for POLD1-related polyposis and colorectal cancer syndrome. Last evaluated: 2025-09-20. Review status: criteria provided, single submitter. Criteria: Invitae Variant Classification Sherloc (09022015). Collection method: clinical testing. Allele origin: germline.
Comment: This sequence change creates a premature translational stop signal (p.Tyr371*) in the POLD1 gene. Missense variants that disrupt the 3'-5' exonuclease (proof-reading) activity of the POLD1 protein are associated with PPAP (polymerase proofreading–associated polyposis) (PMID: 23263490, 23447401). However, loss-of-function variants that result in an absent or severely disrupted POLD1 protein, and missense variants outside the exonuclease domain, are unlikely to be associated with PPAP. This variant is not present in population databases (gnomAD no frequency). This variant has not been reported in the literature in individuals affected with POLD1-related conditions. In summary, the available evidence is currently insufficient to determine the role of this variant in disease. Therefore, it has been classified as a Variant of Uncertain Significance.

Literature cited by the submitters: PubMed 23263490; PubMed 23447401.